The following is an entry in ClinVar:

ClinVar aggregate classification (germline): Uncertain significance (1 of 4 stars; one submission).

Conditions:
Inborn genetic diseases. Identifiers: MedGen C0950123, MeSH D030342.

Submission:

Ambry Genetics
Classification: Uncertain significance for Inborn genetic diseases. Last evaluated: 2025-05-09. Review status: criteria provided, single submitter. Criteria: Ambry Variant Classification Scheme 2023. Collection method: clinical testing. Allele origin: germline.
Comment: The c.149G>T (p.G50V) alteration is located in exon 3 (coding exon 2) of the ARF3 gene. This alteration results from a G to T substitution at nucleotide position 149, causing the glycine (G) at amino acid position 50 to be replaced by a valine (V). This variant was not reported in population-based cohorts in the Genome Aggregation Database (gnomAD). This amino acid position is highly conserved in available vertebrate species. This missense alteration is located in a region that has a low rate of benign missense variation (Lek, 2016; Firth, 2009). This alteration is predicted to be deleterious by in silico analysis. Based on insufficient or conflicting evidence, the clinical significance of this alteration remains unclear.

NM_001659.3(ARF3):c.149G>T (p.Gly50Val)

Gene: ARF3 (ARF GTPase 3; minus strand). Cytogenetic location: 12q13.12.
Variant type: single nucleotide variant.
Coding change: c.149G>T on transcript NM_001659.3 (MANE Select); coding-DNA position 149, G replaced by T.
Protein change: p.Gly50Val; replaces glycine 50 with valine.
Molecular consequence: missense variant. On other transcripts: intron variant (1).
Genome position (GRCh38, 1-based): chr12:48,940,107, C>A on the plus strand (G>T on the coding strand, the complement: ARF3 is on the minus strand). VCF-style: chr12-48940107-C-A. GRCh37 (hg19) VCF-style: chr12-49333890-C-A.
Other names: c.149G>T, p.Gly50Val (NM_001412914.1, NM_001412915.1, NM_001412916.1 and 6 more transcripts); c.149-328G>T (NM_001412932.1); short protein forms G50V.
Identifiers: ClinVar variation 3888307 (VCV003888307.2).